The following is an entry in ClinVar:

ClinVar aggregate classification (germline): Benign (1 of 4 stars; one submission).

Conditions:
Sarcoglycanopathy. Identifiers: Orphanet 207052, MedGen C2936331, MONDO:0016140.

Allele frequency attached by ClinVar (database versions not stated): 1000 Genomes Project 0.00559; 1000 Genomes Project 30x 0.00578; gnomAD exomes 0.00975; TOPMed 0.01229; gnomAD 0.01386 and 0.01487.
gnomAD v4.1: 2,300 of 165,348 alleles (1.4%); highest among the groups gnomAD compares: Non-Finnish European, 1.8%; 22 homozygotes.

Submission:

Illumina Laboratory Services, Illumina
Classification: Benign for Sarcoglycanopathy. Last evaluated: 2018-01-13. Review status: criteria provided, single submitter. Criteria: ICSL Variant Classification Criteria 13 December 2019. Collection method: clinical testing. Allele origin: germline.
Comment: This variant was observed in the ICSL laboratory as part of a predisposition screen in an ostensibly healthy population. It had not been previously curated by ICSL or reported in the Human Gene Mutation Database (HGMD: prior to June 1st, 2018), and was therefore a candidate for classification through an automated scoring system. Utilizing variant allele frequency, disease prevalence and penetrance estimates, and inheritance mode, an automated score was calculated to assess if this variant is too frequent to cause the disease. Based on the score and internal cut-off values, a variant classified as benign is not then subjected to further curation. The score for this variant resulted in a classification of benign for this disease.

NM_000231.3(SGCG):c.*546T>C

Gene: SGCG (sarcoglycan gamma; plus strand). Cytogenetic location: 13q12.12.
Variant type: single nucleotide variant.
Coding change: c.*546T>C on transcript NM_000231.3 (MANE Select); 546 bases downstream of the stop codon, T replaced by C.
Molecular consequence: 3 prime UTR variant.
Genome position (GRCh38, 1-based): chr13:23,325,087, T>C. VCF-style: chr13-23325087-T-C. GRCh37 (hg19) VCF-style: chr13-23899226-T-C.
Other names: c.*546T>C (NM_001378244.1, NM_001378245.1, NM_001378246.1).
Identifiers: ClinVar variation 881923 (VCV000881923.4), dbSNP rs41283956, ClinGen allele CA246641880.